The following is an entry in ClinVar:

ClinVar aggregate classification (germline): Uncertain significance (1 of 4 stars; one submission).

Conditions:
Focal segmental glomerulosclerosis 5 (FSGS5). Identifiers: Orphanet 656, MedGen C2750475, MONDO:0013191, OMIM 613237.
Charcot-Marie-Tooth disease dominant intermediate E. Also called: CHARCOT-MARIE-TOOTH NEUROPATHY WITH FOCAL SEGMENTAL GLOMERULONEPHRITIS. Identifiers: Orphanet 93114, MedGen C4302667, MONDO:0013758, OMIM 614455.

Allele frequency attached by ClinVar (database versions not stated): gnomAD exomes below 0.00001.
gnomAD v4.1: 5 of 1,607,796 alleles (0.00031%); highest among the groups gnomAD compares: Non-Finnish European, 0.00042%; no homozygotes.

Submission:

Labcorp Genetics (formerly Invitae), Labcorp
Classification: Uncertain significance for Charcot-Marie-Tooth disease dominant intermediate E; Focal segmental glomerulosclerosis 5. Last evaluated: 2021-05-17. Review status: criteria provided, single submitter. Criteria: Invitae Variant Classification Sherloc (09022015). Collection method: clinical testing. Allele origin: germline.
Comment: This sequence change replaces alanine with aspartic acid at codon 329 of the INF2 protein (p.Ala329Asp). The alanine residue is weakly conserved and there is a moderate physicochemical difference between alanine and aspartic acid. This variant is not present in population databases (ExAC no frequency). In summary, the available evidence is currently insufficient to determine the role of this variant in disease. Therefore, it has been classified as a Variant of Uncertain Significance. Algorithms developed to predict the effect of missense changes on protein structure and function are either unavailable or do not agree on the potential impact of this missense change (SIFT: "Tolerated"; PolyPhen-2: "Probably Damaging"; Align-GVGD: "Class C0"). This variant has not been reported in the literature in individuals with INF2-related conditions.

NM_022489.4(INF2):c.986C>A (p.Ala329Asp)

Gene: INF2 (inverted formin 2; plus strand). Cytogenetic location: 14q32.33.
Variant type: single nucleotide variant.
Coding change: c.986C>A on transcript NM_022489.4 (MANE Select); coding-DNA position 986, C replaced by A.
Protein change: p.Ala329Asp; replaces alanine 329 with aspartic acid.
Molecular consequence: missense variant.
Genome position (GRCh38, 1-based): chr14:104,707,253, C>A. VCF-style: chr14-104707253-C-A. GRCh37 (hg19) VCF-style: chr14-105173590-C-A.
Other names: c.986C>A, p.Ala329Asp (NM_001031714.4); short protein forms A329D.
Identifiers: ClinVar variation 1417030 (VCV001417030.8), dbSNP rs2140666754, ClinGen allele CA391215608.